The following is an entry in ClinVar:

NM_170707.4(LMNA):c.393G>C (p.Gln131His)

Genes: LMNA (lamin A/C; plus strand), LOC126805877 (MED14-independent group 3 enhancer GRCh37_chr1:156099693-156100892; plus strand). Cytogenetic location: 1q22.
Variant type: single nucleotide variant.
Coding change: c.393G>C on transcript NM_170707.4 (MANE Select); coding-DNA position 393, G replaced by C.
Protein change: p.Gln131His; replaces glutamine 131 with histidine.
Molecular consequence: missense variant.
Genome position (GRCh38, 1-based): chr1:156,130,653, G>C. VCF-style: chr1-156130653-G-C. GRCh37 (hg19) VCF-style: chr1-156100444-G-C.
Other names: c.57G>C, p.Gln19His (NM_001257374.3); c.150G>C, p.Gln50His (NM_001282624.2); c.393G>C, p.Gln131His (NM_001282625.2, NM_001282626.2, NM_005572.4 and 1 more transcripts); short protein forms Q131H, Q19H, Q50H.
Identifiers: ClinVar variation 1509209 (VCV001509209.8), dbSNP rs2102865651, ClinGen allele CA342815158.

ClinVar aggregate classification (germline): Uncertain significance (1 of 4 stars; one submission).

Conditions:
Charcot-Marie-Tooth disease type 2. Also called: Charcot-Marie-Tooth type 2. Identifiers: Orphanet 64746, MedGen C0270914, MONDO:0018993.

Submission:

Labcorp Genetics (formerly Invitae), Labcorp
Classification: Uncertain significance for Charcot-Marie-Tooth disease type 2. Last evaluated: 2021-05-30. Review status: criteria provided, single submitter. Criteria: Invitae Variant Classification Sherloc (09022015). Collection method: clinical testing. Allele origin: germline.
Comment: This sequence change replaces glutamine with histidine at codon 131 of the LMNA protein (p.Gln131His). The glutamine residue is highly conserved and there is a small physicochemical difference between glutamine and histidine. This variant is not present in population databases (ExAC no frequency). This variant has not been reported in the literature in individuals with LMNA-related conditions. Algorithms developed to predict the effect of missense changes on protein structure and function are either unavailable or do not agree on the potential impact of this missense change (SIFT: "Deleterious"; PolyPhen-2: "Possibly Damaging"; Align-GVGD: "Class C15"). In summary, the available evidence is currently insufficient to determine the role of this variant in disease. Therefore, it has been classified as a Variant of Uncertain Significance.